The following is an entry in ClinVar:

NM_004993.6(ATXN3):c.854G>A (p.Arg285Gln)

Gene: ATXN3 (ataxin 3; minus strand). Cytogenetic location: 14q32.12.
Variant type: single nucleotide variant.
Coding change: c.854G>A on transcript NM_004993.6 (MANE Select); coding-DNA position 854, G replaced by A.
Protein change: p.Arg285Gln; replaces arginine 285 with glutamine.
Molecular consequence: missense variant. On other transcripts: intron variant (5), non-coding transcript variant (19).
Genome position (GRCh38, 1-based): chr14:92,080,983, C>T on the plus strand (G>A on the coding strand, the complement: ATXN3 is on the minus strand). VCF-style: chr14-92080983-C-T. GRCh37 (hg19) VCF-style: chr14-92547327-C-T.
Other names: c.235-9930G>A (NM_001164776.2); c.388-9930G>A (NM_001164778.2); c.190-9930G>A (NM_001164774.2); c.809G>A, p.Arg270Gln (NM_001127696.2); c.701G>A, p.Arg234Gln (NM_001127697.3); c.131G>A, p.Arg44Gln (NM_001164775.1); c.491G>A, p.Arg164Gln (NM_001164779.2); c.317G>A, p.Arg106Gln (NM_001164780.2); and 5 more; short protein forms R106Q, R230Q, R164Q, R234Q, R215Q, R270Q, R285Q, R44Q.
Identifiers: ClinVar variation 2594231 (VCV002594231.3), dbSNP rs147058331, ClinGen allele CA7314494.
Genomic context (GRCh38, chr14:92,080,983, plus strand): 5'-AAATATTAAACATGCTACTTTAACTTGTACCAACTACTTTACTTTTCAAAGTAGGCTTCT[C>T]GTCTCTTCCGAAGCTCTTCTGAAGTAAGATTTGTACCTGATGTCTGTGTCATATCTTGAG-3'
Protein context (NP_004984.2, residues 275-295): NLTSEELRKR[Arg285Gln]EAYFEKQQQK

ClinVar aggregate classification (germline): Conflicting classifications of pathogenicity. Review status: criteria provided, conflicting classifications (1 of 4 stars). 2 submissions from 2 submitters: Uncertain significance (1); Likely benign (1). Last evaluated 2025-03-20.

Conditions:
ATXN3-related disorder. Also called: ATXN3-related condition.
Inborn genetic diseases. Identifiers: MedGen C0950123, MeSH D030342.

Allele frequency attached by ClinVar (database versions not stated): gnomAD exomes 0.00015; gnomAD 0.00019; ExAC 0.00024; TOPMed 0.00026; ESP Exome Variant Server 0.00031.

Submissions (2):

PreventionGenetics, part of Exact Sciences
Classification: Likely benign for ATXN3-related condition. Last evaluated: 2025-03-20. Review status: criteria provided, single submitter. Criteria: ACMG Guidelines, 2015. Collection method: clinical testing. Allele origin: germline.
Comment: This variant is classified as likely benign based on ACMG/AMP sequence variant interpretation guidelines (Richards et al. 2015 PMID: 25741868, with internal and published modifications).

Ambry Genetics
Classification: Uncertain significance for Inborn genetic diseases. Last evaluated: 2023-09-14. Review status: criteria provided, single submitter. Criteria: Ambry Variant Classification Scheme 2023. Collection method: clinical testing. Allele origin: germline.